The following is an entry in ClinVar:

ClinVar aggregate classification (germline): Likely benign (1 of 4 stars; one submission).

Allele frequency attached by ClinVar (database versions not stated): gnomAD 0.00003; TOPMed 0.00003; ExAC 0.00005.
gnomAD v4.1: 86 of 1,614,068 alleles (0.0053%); highest among the groups gnomAD compares: Middle Eastern, 0.016%; no homozygotes.

Submission:

CeGaT Center for Human Genetics Tuebingen
Classification: Likely benign. Last evaluated: 2022-08-01. Review status: criteria provided, single submitter. Criteria: CeGaT Center For Human Genetics Tuebingen Variant Classification Criteria Version 2. Collection method: clinical testing. Allele origin: germline. Affected: yes. Observed: 1 variant allele.
Comment: EXOC8: BP4, BP7

NM_175876.5(EXOC8):c.978G>A (p.Glu326=)

Gene: EXOC8 (exocyst complex component 8; minus strand). Cytogenetic location: 1q42.2.
Variant type: single nucleotide variant.
Coding change: c.978G>A on transcript NM_175876.5 (MANE Select); coding-DNA position 978, G replaced by A.
Protein change: p.Glu326=; no amino-acid change (glutamic acid 326 retained).
Molecular consequence: synonymous variant.
Genome position (GRCh38, 1-based): chr1:231,336,768, C>T on the plus strand (G>A on the coding strand, the complement: EXOC8 is on the minus strand). VCF-style: chr1-231336768-C-T. GRCh37 (hg19) VCF-style: chr1-231472514-C-T.
Identifiers: ClinVar variation 2640078 (VCV002640078.24), dbSNP rs200538583, ClinGen allele CA1452389.